The following is an entry in ClinVar:

NM_000329.3(RPE65):c.246-2A>G

Gene: RPE65 (retinoid isomerohydrolase RPE65; minus strand). Cytogenetic location: 1p31.3.
Variant type: single nucleotide variant.
Coding change: c.246-2A>G on transcript NM_000329.3 (MANE Select); the canonical splice acceptor site of the intron before coding-DNA position 246, A replaced by G.
Molecular consequence: splice acceptor variant. On other transcripts: intron variant (1).
Genome position (GRCh38, 1-based): chr1:68,444,885, T>C on the plus strand (A>G on the coding strand, the complement: RPE65 is on the minus strand). VCF-style: chr1-68444885-T-C. GRCh37 (hg19) VCF-style: chr1-68910568-T-C.
Other names: c.246-2A>G (NM_001406859.1, NM_001406860.1); c.-31-2A>G (NM_001406857.1, NM_001406856.1); c.246-213A>G (NM_001406853.1).
Identifiers: ClinVar variation 4818174 (VCV004818174.1).

ClinVar aggregate classification (germline): Likely pathogenic (1 of 4 stars; one submission).

Conditions:
Leber congenital amaurosis (LCA). Also called: Leber's amaurosis. Identifiers: Orphanet 65, MedGen C0339527, MeSH D057130, MONDO:0018998.

Submission:

Natera, Inc.
Classification: Likely pathogenic for Leber congenital amaurosis. Last evaluated: 2024-05-01. Review status: criteria provided, single submitter. Criteria: Natera Variant Classification Schema (03/2026). Collection method: clinical testing. Allele origin: germline.
Comment: The c.246-2A>G variant in RPE65 is a canonical splice acceptor site variant predicted to affect pre-mRNA splicing, which may result in an abnormal transcript and altered protein product. This variant is expected to result in nonsense mediated decay, truncation, or a dysfunctional protein product. This variant is rare in the general population with a frequency below the threshold expected for the associated phenotype(s). Given the available evidence, this variant is classified as Likely Pathogenic.